The following is an entry in ClinVar:

ClinVar aggregate classification (germline): Uncertain significance (1 of 4 stars; one submission).

Conditions:
Hereditary cancer-predisposing syndrome. Also called: Hereditary Cancer Syndrome; Hereditary neoplastic syndrome; Neoplastic Syndromes, Hereditary; Tumor predisposition. Identifiers: Orphanet 140162, MedGen C0027672, MeSH D009386, MONDO:0015356.

Submission:

Ambry Genetics
Classification: Uncertain significance for Hereditary cancer-predisposing syndrome. Last evaluated: 2022-10-05. Review status: criteria provided, single submitter. Criteria: Ambry Variant Classification Scheme 2023. Collection method: clinical testing. Allele origin: germline.
Comment: The p.A1990T variant (also known as c.5968G>A), located in coding exon 43 of the POLE gene, results from a G to A substitution at nucleotide position 5968. The alanine at codon 1990 is replaced by threonine, an amino acid with similar properties. This amino acid position is conserved. In addition, the in silico prediction for this alteration is inconclusive. Since supporting evidence is limited at this time, the clinical significance of this alteration remains unclear.

NM_006231.4(POLE):c.5968G>A (p.Ala1990Thr)

Gene: POLE (DNA polymerase epsilon, catalytic subunit; minus strand). Cytogenetic location: 12q24.33.
Variant type: single nucleotide variant.
Coding change: c.5968G>A on transcript NM_006231.4 (MANE Select); coding-DNA position 5968, G replaced by A.
Protein change: p.Ala1990Thr; replaces alanine 1990 with threonine.
Molecular consequence: missense variant.
Genome position (GRCh38, 1-based): chr12:132,634,222, C>T on the plus strand (G>A on the coding strand, the complement: POLE is on the minus strand). VCF-style: chr12-132634222-C-T. GRCh37 (hg19) VCF-style: chr12-133210808-C-T.
Other names: short protein forms A1990T.
Identifiers: ClinVar variation 1750762 (VCV001750762.2), dbSNP rs1313175914, ClinGen allele CA387371482.